The following is an entry in ClinVar:

ClinVar aggregate classification (germline): Uncertain significance. Review status: criteria provided, multiple submitters, no conflicts (2 of 4 stars). 2 submissions from 2 submitters: Uncertain significance (2). Last evaluated 2025-02-19.

Allele frequency attached by ClinVar (database versions not stated): gnomAD 0.00001; TOPMed 0.00001.
gnomAD v4.1: 5 of 1,614,018 alleles (0.00031%); highest among the groups gnomAD compares: Non-Finnish European, 0.00042%; no homozygotes.

Submissions (2):

Ambry Genetics
Classification: Uncertain significance. Last evaluated: 2025-02-19. Review status: criteria provided, single submitter. Criteria: Ambry Variant Classification Scheme 2023. Collection method: clinical testing. Allele origin: germline.

Labcorp Genetics (formerly Invitae), Labcorp
Classification: Uncertain significance. Last evaluated: 2024-06-03. Review status: criteria provided, single submitter. Criteria: Invitae Variant Classification Sherloc (09022015). Collection method: clinical testing. Allele origin: germline.
Comment: This sequence change replaces isoleucine, which is neutral and non-polar, with phenylalanine, which is neutral and non-polar, at codon 506 of the MCM4 protein (p.Ile506Phe). This variant is present in population databases (no rsID available, gnomAD 0.007%). This variant has not been reported in the literature in individuals affected with MCM4-related conditions. Advanced modeling of protein sequence and biophysical properties (such as structural, functional, and spatial information, amino acid conservation, physicochemical variation, residue mobility, and thermodynamic stability) performed at Invitae indicates that this missense variant is expected to disrupt MCM4 protein function with a positive predictive value of 80%. In summary, the available evidence is currently insufficient to determine the role of this variant in disease. Therefore, it has been classified as a Variant of Uncertain Significance.

NM_182746.3(MCM4):c.1516A>T (p.Ile506Phe)

Gene: MCM4 (minichromosome maintenance complex component 4; plus strand). Cytogenetic location: 8q11.21.
Variant type: single nucleotide variant.
Coding change: c.1516A>T on transcript NM_182746.3 (MANE Select); coding-DNA position 1516, A replaced by T.
Protein change: p.Ile506Phe; replaces isoleucine 506 with phenylalanine.
Molecular consequence: missense variant.
Genome position (GRCh38, 1-based): chr8:47,970,592, A>T. VCF-style: chr8-47970592-A-T. GRCh37 (hg19) VCF-style: chr8-48883152-A-T.
Other names: c.1516A>T, p.Ile506Phe (NM_005914.4); c.1516A>T (NM_005914.3); short protein forms I506F.
Identifiers: ClinVar variation 3015529 (VCV003015529.4), dbSNP rs1416909966, ClinGen allele CA371152173.